The following is an entry in ClinVar:

NM_016239.4(MYO15A):c.5380C>T (p.Arg1794Cys)

Gene: MYO15A (myosin XVA; plus strand). Cytogenetic location: 17p11.2.
Variant type: single nucleotide variant.
Coding change: c.5380C>T on transcript NM_016239.4 (MANE Select); coding-DNA position 5380, C replaced by T.
Protein change: p.Arg1794Cys; replaces arginine 1794 with cysteine.
Molecular consequence: missense variant.
Genome position (GRCh38, 1-based): chr17:18,140,806, C>T. VCF-style: chr17-18140806-C-T. GRCh37 (hg19) VCF-style: chr17-18044120-C-T.
Other names: short protein forms R1794C.
Identifiers: ClinVar variation 179701 (VCV000179701.7), dbSNP rs369109640, ClinGen allele CA184956.

ClinVar aggregate classification (germline): Uncertain significance. Review status: criteria provided, multiple submitters, no conflicts (2 of 4 stars). 2 submissions from 2 submitters: Uncertain significance (2). Last evaluated 2025-08-27.

Conditions:
Inborn genetic diseases. Identifiers: MedGen C0950123, MeSH D030342.

Allele frequency attached by ClinVar (database versions not stated): ExAC 0.00002; gnomAD exomes 0.00002; TOPMed 0.00002; gnomAD 0.00003; ESP Exome Variant Server 0.00008.
gnomAD v4.1: 30 of 1,614,020 alleles (0.0019%); highest among the groups gnomAD compares: Middle Eastern, 0.016%; no homozygotes.

Submissions (2):

Ambry Genetics
Classification: Uncertain significance for Inborn genetic diseases. Last evaluated: 2025-08-27. Review status: criteria provided, single submitter. Criteria: Ambry Variant Classification Scheme 2023. Collection method: clinical testing. Allele origin: germline.

Laboratory for Molecular Medicine, Mass General Brigham Personalized Medicine
Classification: Uncertain significance. Last evaluated: 2014-05-14. Review status: criteria provided, single submitter. Criteria: LMM Criteria. Collection method: clinical testing. Allele origin: germline. Observed: 1 variant allele.
Comment: The Arg1794Cys variant in MYO15A has not been previously reported in individuals with hearing loss, but has been identified in 0.01% (1/8406) of European Americ an chromosomes by the NHLBI Exome Sequencing Project (du/EVS/). Although this variant has been seen in the general population, its fre quency is not high enough to rule out a pathogenic role. Computational predictio n tools and conservation analyses suggest that the Arg1794Cys variant may impact the protein, though this information is not predictive enough to determine path ogenicity. In summary, the clinical significance of the Arg1794Cys variant is un certain.